The following is an entry in ClinVar:

NM_058216.3(RAD51C):c.115C>A (p.Leu39Ile)

Gene: RAD51C (RAD51 paralog C; plus strand). Cytogenetic location: 17q22.
Variant type: single nucleotide variant.
Coding change: c.115C>A on transcript NM_058216.3 (MANE Select); coding-DNA position 115, C replaced by A.
Protein change: p.Leu39Ile; replaces leucine 39 with isoleucine.
Molecular consequence: missense variant. On other transcripts: non-coding transcript variant (1).
Genome position (GRCh38, 1-based): chr17:58,692,758, C>A. VCF-style: chr17-58692758-C-A. GRCh37 (hg19) VCF-style: chr17-56770119-C-A.
Other names: c.115C>A, p.Leu39Ile (NM_002876.4); short protein forms L39I.
Identifiers: ClinVar variation 1182923 (VCV001182923.2), dbSNP rs759149207, ClinGen allele CA400337531.

ClinVar aggregate classification (germline): Uncertain significance (1 of 4 stars; one submission).

Submission:

GeneDx
Classification: Uncertain significance. Last evaluated: 2020-10-16. Review status: criteria provided, single submitter. Criteria: GeneDx Variant Classification Process June 2021. Collection method: clinical testing. Allele origin: germline. Affected: yes.
Comment: Not observed in large population cohorts (Lek et al., 2016); In silico analysis supports that this missense variant does not alter protein structure/function; Has not been previously published as pathogenic or benign to our knowledge